The following is an entry in ClinVar:

ClinVar aggregate classification (germline): Uncertain significance (1 of 4 stars; one submission).

Conditions:
Cardiomyopathy (CMYO). Also called: Cardiomyopathies. Identifiers: Orphanet 167848, MedGen C0878544, MONDO:0004994, HP:0001638. Inheritance: Various modes of inheritance.

Submission:

Color Diagnostics, LLC DBA Color Health
Classification: Uncertain significance for Cardiomyopathy. Last evaluated: 2023-12-11. Review status: criteria provided, single submitter. Criteria: ACMG Guidelines, 2015. Collection method: clinical testing. Allele origin: germline.
Comment: This missense variant replaces arginine with glycine at codon 1267 of the MYBPC3 protein. Computational prediction suggests that this variant may not impact protein structure and function (internally defined REVEL score threshold <= 0.5, PMID: 27666373). To our knowledge, functional studies have not been reported for this variant. This variant has not been reported in individuals affected with MYBPC3-related disorders in the literature. This variant has not been identified in the general population by the Genome Aggregation Database (gnomAD). The available evidence is insufficient to determine the role of this variant in disease conclusively. Therefore, this variant is classified as a Variant of Uncertain Significance.

NM_000256.3(MYBPC3):c.3799C>G (p.Arg1267Gly)

Gene: MYBPC3 (myosin binding protein C3; minus strand). Cytogenetic location: 11p11.2.
Variant type: single nucleotide variant.
Coding change: c.3799C>G on transcript NM_000256.3 (MANE Select); coding-DNA position 3799, C replaced by G.
Protein change: p.Arg1267Gly; replaces arginine 1267 with glycine.
Molecular consequence: missense variant.
Genome position (GRCh38, 1-based): chr11:47,332,087, G>C on the plus strand (C>G on the coding strand, the complement: MYBPC3 is on the minus strand). VCF-style: chr11-47332087-G-C. GRCh37 (hg19) VCF-style: chr11-47353638-G-C.
Other names: short protein forms R1267G.
Identifiers: ClinVar variation 2773697 (VCV002773697.2), dbSNP rs765825263, ClinGen allele CA380310441.